The following is an entry in ClinVar:

ClinVar aggregate classification (germline): Uncertain significance. Review status: criteria provided, multiple submitters, no conflicts (2 of 4 stars). 2 submissions from 2 submitters: Uncertain significance (2). Last evaluated 2024-04-29.

Conditions:
Epilepsy, familial adult myoclonic, 5 (EPEO5). Also called: CORTICAL MYOCLONIC TREMOR WITH EPILEPSY, FAMILIAL, 5. Identifiers: Orphanet 86814, MedGen C3809374, MONDO:0014167, OMIM 615400.

Allele frequency attached by ClinVar (database versions not stated): TOPMed 0.00002; ExAC 0.00003; gnomAD 0.00003; gnomAD exomes 0.00005 and 0.00006; ESP Exome Variant Server 0.00008.
gnomAD v4.1: 93 of 1,613,998 alleles (0.0058%); highest among the groups gnomAD compares: East Asian, 0.031%; no homozygotes.

Submissions (2):

Labcorp Genetics (formerly Invitae), Labcorp
Classification: Uncertain significance for Epilepsy, familial adult myoclonic, 5. Last evaluated: 2024-04-29. Review status: criteria provided, single submitter. Criteria: Invitae Variant Classification Sherloc (09022015). Collection method: clinical testing. Allele origin: germline.
Comment: This sequence change replaces valine, which is neutral and non-polar, with methionine, which is neutral and non-polar, at codon 57 of the CNTN2 protein (p.Val57Met). This variant is present in population databases (rs374208965, gnomAD 0.03%). This variant has not been reported in the literature in individuals affected with CNTN2-related conditions. ClinVar contains an entry for this variant (Variation ID: 1426504). Advanced modeling of protein sequence and biophysical properties (such as structural, functional, and spatial information, amino acid conservation, physicochemical variation, residue mobility, and thermodynamic stability) performed at Invitae indicates that this missense variant is not expected to disrupt CNTN2 protein function with a negative predictive value of 95%. In summary, the available evidence is currently insufficient to determine the role of this variant in disease. Therefore, it has been classified as a Variant of Uncertain Significance.

Ambry Genetics
Classification: Uncertain significance. Last evaluated: 2023-11-14. Review status: criteria provided, single submitter. Criteria: Ambry Variant Classification Scheme 2023. Collection method: clinical testing. Allele origin: germline.

NM_005076.5(CNTN2):c.169G>A (p.Val57Met)

Gene: CNTN2 (contactin 2; plus strand). Cytogenetic location: 1q32.1.
Variant type: single nucleotide variant.
Coding change: c.169G>A on transcript NM_005076.5 (MANE Select); coding-DNA position 169, G replaced by A.
Protein change: p.Val57Met; replaces valine 57 with methionine.
Molecular consequence: missense variant. On other transcripts: non-coding transcript variant (1).
Genome position (GRCh38, 1-based): chr1:205,058,019, G>A. VCF-style: chr1-205058019-G-A. GRCh37 (hg19) VCF-style: chr1-205027147-G-A.
Other names: c.169G>A (NM_005076.3); c.169G>A, p.Val57Met (NM_001346083.2); short protein forms V57M.
Identifiers: ClinVar variation 1426504 (VCV001426504.8), dbSNP rs374208965, ClinGen allele CA1350937.
Genomic context (GRCh38, chr1:205,058,019, plus strand): 5'-CCTGTCTTTGAAGACCAGCCCCTCAGTGTGCTATTCCCAGAGGAGTCCACGGAGGAGCAG[G>A]TGTTGCTGGCATGCCGCGCCCGGGCCAGCCCTCCAGCCACCTATCGGTAAGGCCTCTGCA-3'
Protein context (NP_005067.1, residues 47-67): LFPEESTEEQ[Val57Met]LLACRARASP